The following is an entry in ClinVar:

ClinVar aggregate classification (germline): Uncertain significance (0 of 4 stars; one submission).

Conditions:
BBS7-related disorder. Also called: BBS7-related condition.

gnomAD v4.1: 3 of 1,613,584 alleles (0.00019%); highest among the groups gnomAD compares: Non-Finnish European, 0.00025%; no homozygotes.

Submission:

PreventionGenetics, part of Exact Sciences
Classification: Uncertain significance for BBS7-related condition. Last evaluated: 2024-04-15. Review status: no assertion criteria provided. Collection method: clinical testing. Allele origin: germline.
Comment: The BBS7 c.580G>A variant is predicted to result in the amino acid substitution p.Ala194Thr. To our knowledge, this variant has not been reported in the literature. This variant is reported in 0.00088% of alleles in individuals of European (Non-Finnish) descent in gnomAD. At this time, the clinical significance of this variant is uncertain due to the absence of conclusive functional and genetic evidence.

NM_176824.3(BBS7):c.580G>A (p.Ala194Thr)

Gene: BBS7 (Bardet-Biedl syndrome 7; minus strand). Cytogenetic location: 4q27.
Variant type: single nucleotide variant.
Coding change: c.580G>A on transcript NM_176824.3 (MANE Select); coding-DNA position 580, G replaced by A.
Protein change: p.Ala194Thr; replaces alanine 194 with threonine.
Molecular consequence: missense variant.
Genome position (GRCh38, 1-based): chr4:121,855,510, C>T on the plus strand (G>A on the coding strand, the complement: BBS7 is on the minus strand). VCF-style: chr4-121855510-C-T. GRCh37 (hg19) VCF-style: chr4-122776665-C-T.
Other names: c.580G>A, p.Ala194Thr (NM_018190.4); short protein forms A194T.
Identifiers: ClinVar variation 3356050 (VCV003356050.1).